The following is an entry in ClinVar:

NM_024996.7(GFM1):c.1084-1G>A

Gene: GFM1 (G elongation factor mitochondrial 1; plus strand). Cytogenetic location: 3q25.32.
Variant type: single nucleotide variant.
Coding change: c.1084-1G>A on transcript NM_024996.7 (MANE Select); the canonical splice acceptor site of the intron before coding-DNA position 1084, G replaced by A.
Molecular consequence: splice acceptor variant. On other transcripts: intron variant (1).
Genome position (GRCh38, 1-based): chr3:158,658,921, G>A. VCF-style: chr3-158658921-G-A. GRCh37 (hg19) VCF-style: chr3-158376710-G-A.
Other names: c.1141-1G>A (NM_001308164.2); c.859-1G>A (NM_001374357.1); c.1141-1953G>A (NM_001374355.1); c.967-1G>A (NM_001374356.1); c.517-1G>A (NM_001374359.1, NM_001374360.1); c.400-1G>A (NM_001374361.1); c.625-1G>A (NM_001374358.1); c.1084-1G>A (NM_001308166.2).
Identifiers: ClinVar variation 4736235 (VCV004736235.1).

ClinVar aggregate classification (germline): Likely pathogenic (1 of 4 stars; one submission).

Submission:

Labcorp Genetics (formerly Invitae), Labcorp
Classification: Likely pathogenic. Last evaluated: 2026-01-26. Review status: criteria provided, single submitter. Criteria: Invitae Variant Classification Sherloc (09022015). Collection method: clinical testing. Allele origin: germline.
Comment: This sequence change affects an acceptor splice site in intron 8 of the GFM1 gene. It is expected to disrupt RNA splicing. Variants that disrupt the donor or acceptor splice site typically lead to a loss of protein function (PMID: 16199547), and loss-of-function variants in GFM1 are known to be pathogenic (PMID: 16632485, 17160893). This variant is not present in population databases (gnomAD no frequency). This variant has not been reported in the literature in individuals affected with GFM1-related conditions. Algorithms developed to predict the effect of sequence changes on RNA splicing suggest that this variant may disrupt the consensus splice site. In summary, the currently available evidence indicates that the variant is pathogenic, but additional data are needed to prove that conclusively. Therefore, this variant has been classified as Likely Pathogenic.

Literature cited by the submitters: PubMed 16199547; PubMed 16632485; PubMed 17160893.